The following is an entry in ClinVar:

ClinVar aggregate classification (germline): Uncertain significance (1 of 4 stars; one submission).

Allele frequency attached by ClinVar (database versions not stated): TOPMed 0.00005.
gnomAD v4.1: 7 of 1,614,092 alleles (0.00043%); highest among the groups gnomAD compares: Admixed American, 0.01%; no homozygotes.

Submission:

Women's Health and Genetics/Laboratory Corporation of America, LabCorp
Classification: Uncertain significance. Last evaluated: 2024-03-20. Review status: criteria provided, single submitter. Criteria: LabCorp Variant Classification Summary - May 2015. Collection method: clinical testing. Allele origin: germline.
Comment: Variant summary: CAPN3 c.1939G>A (p.Glu647Lys) results in a conservative amino acid change in the encoded protein sequence. Three of five in-silico tools predict a benign effect of the variant on protein function. The variant allele was found at a frequency of 8e-06 in 251386 control chromosomes (gnomAD). The available data on variant occurrences in the general population are insufficient to allow any conclusion about variant significance. To our knowledge, no occurrence of c.1939G>A in individuals affected with Autosomal Recessive Limb-Girdle Muscular Dystrophy and no experimental evidence demonstrating its impact on protein function have been reported. No submitters have cited clinical-significance assessments for this variant to ClinVar. Based on the evidence outlined above, the variant was classified as uncertain significance.

NM_000070.3(CAPN3):c.1939G>A (p.Glu647Lys)

Gene: CAPN3 (calpain 3; plus strand). Cytogenetic location: 15q15.1.
Variant type: single nucleotide variant.
Coding change: c.1939G>A on transcript NM_000070.3 (MANE Select); coding-DNA position 1939, G replaced by A.
Protein change: p.Glu647Lys; replaces glutamic acid 647 with lysine.
Molecular consequence: missense variant. On other transcripts: 5 prime UTR variant (2).
Genome position (GRCh38, 1-based): chr15:42,409,327, G>A. VCF-style: chr15-42409327-G-A. GRCh37 (hg19) VCF-style: chr15-42701525-G-A.
Other names: c.1921G>A, p.Glu641Lys (NM_024344.2); c.1663G>A, p.Glu555Lys (NM_173087.2); c.403G>A, p.Glu135Lys (NM_173088.2); c.-57G>A (NM_173089.2, NM_173090.2); c.*1037G>A (NM_212464.2); c.*1614G>A (NM_212467.2); short protein forms E135K, E555K, E641K, E647K.
Identifiers: ClinVar variation 3233858 (VCV003233858.2), dbSNP rs863224960, ClinGen allele CA392001179.